The following is an entry in ClinVar:

NM_000341.4(SLC3A1):c.170C>T (p.Pro57Leu)

Gene: SLC3A1 (solute carrier family 3 member 1; plus strand). Cytogenetic location: 2p21.
Variant type: single nucleotide variant.
Coding change: c.170C>T on transcript NM_000341.4 (MANE Select); coding-DNA position 170, C replaced by T.
Protein change: p.Pro57Leu; replaces proline 57 with leucine.
Molecular consequence: missense variant.
Genome position (GRCh38, 1-based): chr2:44,275,705, C>T. VCF-style: chr2-44275705-C-T. GRCh37 (hg19) VCF-style: chr2-44502844-C-T.
Other names: short protein forms P57L.
Identifiers: ClinVar variation 2289735 (VCV002289735.4), dbSNP rs1006185366, ClinGen allele CA46487539.

ClinVar aggregate classification (germline): Uncertain significance. Review status: criteria provided, multiple submitters, no conflicts (2 of 4 stars). 2 submissions from 2 submitters: Uncertain significance (2). Last evaluated 2025-10-28.

Conditions:
Inborn genetic diseases. Identifiers: MedGen C0950123, MeSH D030342.
Cystinuria (CSNU). Also called: CYSTINURIA, TYPE I; CYSTINURIA, TYPE II; CYSTINURIA, TYPE III; Cystinuria, non-type I. Identifiers: Orphanet 214, MedGen C0010691, MONDO:0009067, OMIM 220100, HP:0003131.

Allele frequency attached by ClinVar (database versions not stated): gnomAD exomes below 0.00001; TOPMed below 0.00001.
gnomAD v4.1: 3 of 1,614,172 alleles (0.00019%); highest among the groups gnomAD compares: Non-Finnish European, 0.00025%; no homozygotes.

Submissions (2):

Labcorp Genetics (formerly Invitae), Labcorp
Classification: Uncertain significance for Cystinuria. Last evaluated: 2025-10-28. Review status: criteria provided, single submitter. Criteria: Invitae Variant Classification Sherloc (09022015). Collection method: clinical testing. Allele origin: germline.
Comment: This sequence change replaces proline, which is neutral and non-polar, with leucine, which is neutral and non-polar, at codon 57 of the SLC3A1 protein (p.Pro57Leu). This variant is not present in population databases (gnomAD no frequency). This variant has not been reported in the literature in individuals affected with SLC3A1-related conditions. ClinVar contains an entry for this variant (Variation ID: 2289735). An algorithm developed to predict the effect of missense changes on protein structure and function outputs the following: PolyPhen-2: "Benign". The leucine amino acid residue is found in multiple mammalian species, which suggests that this missense change does not adversely affect protein function. In summary, the available evidence is currently insufficient to determine the role of this variant in disease. Therefore, it has been classified as a Variant of Uncertain Significance.

Ambry Genetics
Classification: Uncertain significance for Inborn genetic diseases. Last evaluated: 2025-09-08. Review status: criteria provided, single submitter. Criteria: Ambry Variant Classification Scheme 2023. Collection method: clinical testing. Allele origin: germline.